The following is an entry in ClinVar:

ClinVar aggregate classification (germline): Uncertain significance. Review status: criteria provided, multiple submitters, no conflicts (2 of 4 stars). 2 submissions from 2 submitters: Uncertain significance (2). Last evaluated 2026-04-16.

Conditions:
Tatton-Brown-Rahman overgrowth syndrome. Also called: Tall stature-intellectual disability-facial dysmorphism syndrome; Tatton-Brown-Rahman syndrome. Identifiers: Orphanet 404443, MedGen C4014545, MONDO:0014382, OMIM 615879.

Allele frequency attached by ClinVar (database versions not stated): gnomAD 0.00001; gnomAD exomes 0.00002; ExAC 0.00003.
gnomAD v4.1: 27 of 1,613,284 alleles (0.0017%); highest among the groups gnomAD compares: East Asian, 0.0022%; no homozygotes.

Submissions (2):

Dasa
Classification: Uncertain significance. Last evaluated: 2026-04-16. Review status: criteria provided, single submitter. Criteria: DASA Assertion Criteria. Collection method: clinical testing. Allele origin: germline.
Comment: NM_022552.5(DNMT3A):c.700G>A (p.Gly234Arg) is a missense variant that results in the substitution of glycine with arginine. This variant is rare in population databases. Computational prediction algorithms are consistent with a benign effect. The currently available literature and clinical evidence are not sufficient to establish a definitive association between this variant and the reported condition. Therefore, this variant is classified as a variant of uncertain significance.

Labcorp Genetics (formerly Invitae), Labcorp
Classification: Uncertain significance for Tatton-Brown-Rahman overgrowth syndrome. Last evaluated: 2024-04-29. Review status: criteria provided, single submitter. Criteria: Invitae Variant Classification Sherloc (09022015). Collection method: clinical testing. Allele origin: germline.
Comment: This sequence change replaces glycine, which is neutral and non-polar, with arginine, which is basic and polar, at codon 234 of the DNMT3A protein (p.Gly234Arg). This variant is present in population databases (rs757912991, gnomAD 0.007%). This variant has not been reported in the literature in individuals affected with DNMT3A-related conditions. ClinVar contains an entry for this variant (Variation ID: 840528). Advanced modeling of protein sequence and biophysical properties (such as structural, functional, and spatial information, amino acid conservation, physicochemical variation, residue mobility, and thermodynamic stability) performed at Invitae indicates that this missense variant is not expected to disrupt DNMT3A protein function with a negative predictive value of 80%. In summary, the available evidence is currently insufficient to determine the role of this variant in disease. Therefore, it has been classified as a Variant of Uncertain Significance.

NM_022552.5(DNMT3A):c.700G>A (p.Gly234Arg)

Gene: DNMT3A (DNA methyltransferase 3 alpha; minus strand). Cytogenetic location: 2p23.3.
Variant type: single nucleotide variant.
Coding change: c.700G>A on transcript NM_022552.5 (MANE Select); coding-DNA position 700, G replaced by A.
Protein change: p.Gly234Arg; replaces glycine 234 with arginine.
Molecular consequence: missense variant. On other transcripts: non-coding transcript variant (1).
Genome position (GRCh38, 1-based): chr2:25,248,192, C>T on the plus strand (G>A on the coding strand, the complement: DNMT3A is on the minus strand). VCF-style: chr2-25248192-C-T. GRCh37 (hg19) VCF-style: chr2-25471061-C-T.
Other names: c.244G>A, p.Gly82Arg (NM_001320893.1); c.31G>A, p.Gly11Arg (NM_001375819.1); c.133G>A, p.Gly45Arg (NM_153759.3); c.700G>A, p.Gly234Arg (NM_175629.2); short protein forms G45R, G82R, G234R, G11R.
Identifiers: ClinVar variation 840528 (VCV000840528.12), dbSNP rs757912991, ClinGen allele CA1556327.